The following is an entry in ClinVar:

NM_015466.4(PTPN23):c.3484C>T (p.Arg1162Trp)

Gene: PTPN23 (protein tyrosine phosphatase non-receptor type 23; plus strand). Cytogenetic location: 3p21.31.
Variant type: single nucleotide variant.
Coding change: c.3484C>T on transcript NM_015466.4 (MANE Select); coding-DNA position 3484, C replaced by T.
Protein change: p.Arg1162Trp; replaces arginine 1162 with tryptophan.
Molecular consequence: missense variant.
Genome position (GRCh38, 1-based): chr3:47,411,282, C>T. VCF-style: chr3-47411282-C-T. GRCh37 (hg19) VCF-style: chr3-47452772-C-T.
Other names: c.3484C>T (NM_015466.3); c.3106C>T, p.Arg1036Trp (NM_001304482.2); short protein forms R1036W, R1162W.
Identifiers: ClinVar variation 1639389 (VCV001639389.13), dbSNP rs147400377, ClinGen allele CA2366291.

ClinVar aggregate classification (germline): Likely benign. Review status: criteria provided, multiple submitters, no conflicts (2 of 4 stars). 4 submissions from 4 submitters: Likely benign (3). 1 of the submissions does not count toward it. Last evaluated 2026-02-03.

Conditions:
Neurodevelopmental disorder and structural brain anomalies with or without seizures and spasticity. Identifiers: MedGen C5394423, MONDO:0030046, OMIM 618890.
PTPN23-related disorder. Also called: PTPN23-related condition.

Allele frequency attached by ClinVar (database versions not stated): ESP Exome Variant Server 0.00023; gnomAD exomes 0.00040 and 0.00068; ExAC 0.00057; TOPMed 0.00077; 1000 Genomes Project 0.00100; 1000 Genomes Project 30x 0.00109.
gnomAD v4.1: 707 of 1,611,548 alleles (0.044%); highest among the groups gnomAD compares: Middle Eastern, 0.53%; 4 homozygotes.

Submissions (4):

Labcorp Genetics (formerly Invitae), Labcorp
Classification: Likely benign. Last evaluated: 2026-02-03. Review status: criteria provided, single submitter. Criteria: Invitae Variant Classification Sherloc (09022015). Collection method: clinical testing. Allele origin: germline.

Blueprint Genetics
Classification: Likely benign. Last evaluated: 2024-11-11. Review status: criteria provided, single submitter. Criteria: ACMG Guidelines, 2015. Collection method: clinical testing. Allele origin: germline.

Revvity Omics, Revvity
Classification: Likely benign for Neurodevelopmental disorder and structural brain anomalies with or without seizures and spasticity. Last evaluated: 2023-11-17. Review status: criteria provided, single submitter. Criteria: ACMG Guidelines, 2015. Collection method: clinical testing. Allele origin: germline.

PreventionGenetics, part of Exact Sciences
Classification: Likely benign for PTPN23-related condition. Last evaluated: 2022-09-07. Review status: no assertion criteria provided. Collection method: clinical testing. Allele origin: germline. Not counted in ClinVar's aggregate classification.
Comment: This variant is classified as likely benign based on ACMG/AMP sequence variant interpretation guidelines (Richards et al. 2015 PMID: 25741868, with internal and published modifications).